The following is an entry in ClinVar:

ClinVar aggregate classification (germline): Uncertain significance. Review status: criteria provided, multiple submitters, no conflicts (2 of 4 stars). 2 submissions from 2 submitters: Uncertain significance (2). Last evaluated 2024-06-13.

Submissions (2):

Ambry Genetics
Classification: Uncertain significance. Last evaluated: 2024-06-13. Review status: criteria provided, single submitter. Criteria: Ambry Variant Classification Scheme 2023. Collection method: clinical testing. Allele origin: germline.

Labcorp Genetics (formerly Invitae), Labcorp
Classification: Uncertain significance. Last evaluated: 2023-11-24. Review status: criteria provided, single submitter. Criteria: Invitae Variant Classification Sherloc (09022015). Collection method: clinical testing. Allele origin: germline.
Comment: This sequence change replaces tyrosine, which is neutral and polar, with cysteine, which is neutral and slightly polar, at codon 366 of the IL6ST protein (p.Tyr366Cys). This variant is not present in population databases (gnomAD no frequency). This variant has not been reported in the literature in individuals affected with IL6ST-related conditions. An algorithm developed to predict the effect of missense changes on protein structure and function (PolyPhen-2) suggests that this variant is likely to be disruptive. In summary, the available evidence is currently insufficient to determine the role of this variant in disease. Therefore, it has been classified as a Variant of Uncertain Significance.

NM_002184.4(IL6ST):c.1097A>G (p.Tyr366Cys)

Gene: IL6ST (interleukin 6 cytokine family signal transducer; minus strand). Cytogenetic location: 5q11.2.
Variant type: single nucleotide variant.
Coding change: c.1097A>G on transcript NM_002184.4 (MANE Select); coding-DNA position 1097, A replaced by G.
Protein change: p.Tyr366Cys; replaces tyrosine 366 with cysteine.
Molecular consequence: missense variant. On other transcripts: 3 prime UTR variant (1), non-coding transcript variant (2).
Genome position (GRCh38, 1-based): chr5:55,956,195, T>C on the plus strand (A>G on the coding strand, the complement: IL6ST is on the minus strand). VCF-style: chr5-55956195-T-C. GRCh37 (hg19) VCF-style: chr5-55252023-T-C.
Other names: c.1097A>G (NM_002184.3); c.1097A>G, p.Tyr366Cys (NM_001190981.2, NM_001364275.2); c.887A>G, p.Tyr296Cys (NM_001364276.2); c.230A>G, p.Tyr77Cys (NM_001364277.2); c.194A>G, p.Tyr65Cys (NM_001364278.2); c.101A>G, p.Tyr34Cys (NM_001364279.2); c.*24A>G (NM_175767.3); short protein forms Y366C, Y77C, Y34C, Y65C, Y296C.
Identifiers: ClinVar variation 2788931 (VCV002788931.4), dbSNP rs1336518761, ClinGen allele CA359764520.